The following is an entry in ClinVar:

NM_004006.3(DMD):c.9477C>A (p.Asp3159Glu)

Gene: DMD (dystrophin; minus strand). Cytogenetic location: Xp21.2.
Variant type: single nucleotide variant.
Coding change: c.9477C>A on transcript NM_004006.3 (MANE Select); coding-DNA position 9477, C replaced by A.
Protein change: p.Asp3159Glu; replaces aspartic acid 3159 with glutamic acid.
Molecular consequence: missense variant.
Genome position (GRCh38, 1-based): chrX:31,209,584, G>T on the plus strand (C>A on the coding strand, the complement: DMD is on the minus strand). VCF-style: chrX-31209584-G-T. GRCh37 (hg19) VCF-style: chrX-31227701-G-T.
Other names: c.9453C>A, p.Asp3151Glu (NM_000109.4); c.9465C>A, p.Asp3155Glu (NM_004009.3); c.9108C>A, p.Asp3036Glu (NM_004010.3); c.5454C>A, p.Asp1818Glu (NM_004011.4); c.5445C>A, p.Asp1815Glu (NM_004012.4); c.2097C>A, p.Asp699Glu (NM_004013.3, NM_004020.4, NM_004021.3 and 2 more transcripts); c.1290C>A, p.Asp430Glu (NM_004014.3); c.273C>A, p.Asp91Glu (NM_004015.3, NM_004016.3, NM_004017.3 and 2 more transcripts); short protein forms D1815E, D1818E, D3036E, D3151E, D3155E, D3159E, D430E, D699E.
Identifiers: ClinVar variation 2684175 (VCV002684175.1), dbSNP rs2521430873, ClinGen allele CA412649911.

ClinVar aggregate classification (germline): Uncertain significance (1 of 4 stars; one submission).

Submission:

Athena Diagnostics
Classification: Uncertain significance. Last evaluated: 2023-02-09. Review status: criteria provided, single submitter. Criteria: Athena Diagnostics Criteria. Collection method: clinical testing. Allele origin: unknown.
Comment: Available data are insufficient to determine the clinical significance of the variant at this time. This variant has not been reported in large, multi-ethnic general populations. This variant has been seen where an alternate explanation for disease was also identified, suggesting this variant may not cause disease. Computational tools predict that this variant is not damaging. According to published research, less than 2% of dystrophin-related disease is due to missense mutation (Flanigan, et al. 2009. Hum Mutat 30: 1657-66. PMID: 19937601).